The following is an entry in ClinVar:

NM_014855.3(AP5Z1):c.1308dup (p.Lys437Ter)

Gene: AP5Z1 (adaptor related protein complex 5 subunit zeta 1; plus strand). Cytogenetic location: 7p22.1.
Variant type: Duplication.
Coding change: c.1308dup on transcript NM_014855.3 (MANE Select); coding-DNA position 1308, one base duplicated (T; older notation c.1308dupT).
Protein change: p.Lys437Ter; replaces lysine 437 with a stop codon.
Molecular consequence: nonsense. On other transcripts: non-coding transcript variant (1).
Genome position (GRCh38, 1-based): chr7:4,786,425, T duplicated; the last of 3 consecutive T bases (chr7:4,786,423-4,786,425); duplicating any one gives the same sequence. VCF-style (leftmost placement, unchanged base first): chr7-4786422-C-CT. GRCh37 (hg19) VCF-style: chr7-4826053-C-CT.
Other names: c.840dup, p.Lys281Ter (NM_001364858.1); short protein forms K437*, K281*.
Identifiers: ClinVar variation 4723357 (VCV004723357.1).
Genomic context (GRCh38, chr7:4,786,422, plus strand): 5'-GGACAACCTCCACCTGTTCAGCGGGCACCTCAGCACCCTCAGATTGAGCTTCCCCAACCT[C>CT]TTTAAGGTATATTTGGGCATCCCTGGGTGCCAGGGCAGGGGCATGGTAAGTCCCTGGGGC-3'

ClinVar aggregate classification (germline): Pathogenic (1 of 4 stars; one submission).

Conditions:
Hereditary spastic paraplegia 48. Also called: Spastic paraplegia 48; SPASTIC PARAPLEGIA 48, AUTOSOMAL RECESSIVE. Identifiers: Orphanet 306511, MedGen C3150901, MONDO:0013342, OMIM 613647.

Submission:

Labcorp Genetics (formerly Invitae), Labcorp
Classification: Pathogenic for Hereditary spastic paraplegia 48. Last evaluated: 2025-07-15. Review status: criteria provided, single submitter. Criteria: Invitae Variant Classification Sherloc (09022015). Collection method: clinical testing. Allele origin: germline.
Comment: This sequence change creates a premature translational stop signal (p.Lys437*) in the AP5Z1 gene. It is expected to result in an absent or disrupted protein product. Loss-of-function variants in AP5Z1 are known to be pathogenic (PMID: 20613862, 27606357). This variant is not present in population databases (gnomAD no frequency). This variant has not been reported in the literature in individuals affected with AP5Z1-related conditions. For these reasons, this variant has been classified as Pathogenic.

Literature cited by the submitters: PubMed 20613862; PubMed 27606357.